The following is an entry in ClinVar:

NM_000059.4(BRCA2):c.4447A>G (p.Thr1483Ala)

Gene: BRCA2 (BRCA2 DNA repair associated; plus strand). Cytogenetic location: 13q13.1.
Variant type: single nucleotide variant.
Coding change: c.4447A>G on transcript NM_000059.4 (MANE Select); coding-DNA position 4447, A replaced by G.
Protein change: p.Thr1483Ala; replaces threonine 1483 with alanine.
Molecular consequence: missense variant.
Genome position (GRCh38, 1-based): chr13:32,338,802, A>G. VCF-style: chr13-32338802-A-G. GRCh37 (hg19) VCF-style: chr13-32912939-A-G.
Other names: short protein forms T1483A.
Identifiers: ClinVar variation 481580 (VCV000481580.11), dbSNP rs1555283789, ClinGen allele CA387781364.

ClinVar aggregate classification (germline): Conflicting classifications of pathogenicity. Review status: criteria provided, conflicting classifications (1 of 4 stars). 3 submissions from 3 submitters: Uncertain significance (2); Likely benign (1). Last evaluated 2025-11-08.

Conditions:
Hereditary cancer-predisposing syndrome. Also called: Neoplastic Syndromes, Hereditary; Tumor predisposition; Hereditary Cancer Syndrome; Hereditary neoplastic syndrome. Identifiers: Orphanet 140162, MedGen C0027672, MeSH D009386, MONDO:0015356.
Hereditary breast ovarian cancer syndrome. Also called: Hereditary breast and ovarian cancer syndrome; Hereditary breast and ovarian cancer; Hereditary breast and ovarian cancer syndrome (HBOC); Breast and ovarian cancer; Hereditary breast and/or ovarian cancer syndrome; BRCA1- and BRCA2-Associated Hereditary Breast and Ovarian Cancer. Identifiers: Orphanet 145, MedGen C0677776, MeSH D061325, MONDO:0003582. Disease mechanism: loss of function.

Submissions (3):

Ambry Genetics
Classification: Uncertain significance for Hereditary cancer-predisposing syndrome. Last evaluated: 2025-11-08. Review status: criteria provided, single submitter. Criteria: Ambry Variant Classification Scheme 2023. Collection method: clinical testing. Allele origin: germline.
Comment: The p.T1483A variant (also known as c.4447A>G), located in coding exon 10 of the BRCA2 gene, results from an A to G substitution at nucleotide position 4447. The threonine at codon 1483 is replaced by alanine, an amino acid with similar properties. This amino acid position is poorly conserved in available vertebrate species. In addition, this alteration is predicted to be tolerated by in silico analysis. Since supporting evidence is limited at this time, the clinical significance of this alteration remains unclear.

Labcorp Genetics (formerly Invitae), Labcorp
Classification: Uncertain significance for Hereditary breast ovarian cancer syndrome. Last evaluated: 2023-08-11. Review status: criteria provided, single submitter. Criteria: Invitae Variant Classification Sherloc (09022015). Collection method: clinical testing. Allele origin: germline.
Comment: Advanced modeling of protein sequence and biophysical properties (such as structural, functional, and spatial information, amino acid conservation, physicochemical variation, residue mobility, and thermodynamic stability) performed at Invitae indicates that this missense variant is not expected to disrupt BRCA2 protein function. ClinVar contains an entry for this variant (Variation ID: 481580). This variant has not been reported in the literature in individuals affected with BRCA2-related conditions. This variant is not present in population databases (gnomAD no frequency). This sequence change replaces threonine, which is neutral and polar, with alanine, which is neutral and non-polar, at codon 1483 of the BRCA2 protein (p.Thr1483Ala). In summary, the available evidence is currently insufficient to determine the role of this variant in disease. Therefore, it has been classified as a Variant of Uncertain Significance.

University of Washington Department of Laboratory Medicine, University of Washington
Classification: Likely benign for Hereditary cancer-predisposing syndrome. Last evaluated: 2023-03-23. Review status: criteria provided, single submitter. Criteria: Dines et al. (Genet Med. 2020). Collection method: curation. Allele origin: germline.
Comment: Missense variant in a coldspot region where missense variants are very unlikely to be pathogenic (PMID:31911673).

BRCA2 exon 11 coldspot. Reclassification based on statistical prior probability.